The following is an entry in ClinVar:

NM_024675.4(PALB2):c.1163del (p.Pro388fs)

Gene: PALB2 (partner and localizer of BRCA2; minus strand). Cytogenetic location: 16p12.2.
Variant type: Deletion.
Coding change: c.1163del on transcript NM_024675.4 (MANE Select); coding-DNA position 1163, one base deleted (C; older notation c.1163delC).
Protein change: p.Pro388fs; shifts the reading frame from proline 388.
Molecular consequence: frameshift variant.
Genome position (GRCh38, 1-based): chr16:23,635,383, G deleted on the plus strand (C on the coding strand, the reverse complement: PALB2 is on the minus strand); the first of 2 consecutive G bases (chr16:23,635,383-23,635,384); deleting either gives the same sequence. VCF-style (leftmost placement, unchanged base first): chr16-23635382-AG-A. GRCh37 (hg19) VCF-style: chr16-23646703-AG-A.
Other names: c.1163delC (NM_024675.3); short protein forms P388fs.
Identifiers: ClinVar variation 224538 (VCV000224538.5), dbSNP rs869312772, ClinGen allele CA353502.

ClinVar aggregate classification (germline): Pathogenic. Review status: criteria provided, multiple submitters, no conflicts (2 of 4 stars). 2 submissions from 2 submitters: Pathogenic (2). Last evaluated 2024-04-17.

Conditions:
Hereditary cancer-predisposing syndrome. Also called: Tumor predisposition; Hereditary neoplastic syndrome; Neoplastic Syndromes, Hereditary; Hereditary Cancer Syndrome. Identifiers: Orphanet 140162, MedGen C0027672, MeSH D009386, MONDO:0015356.
Familial cancer of breast. Also called: hereditary breast carcinoma; BREAST CANCER, FAMILIAL; Hereditary breast cancer. Identifiers: Orphanet 227535, MedGen C0346153, MONDO:0016419, OMIM 114480. Disease mechanism: loss of function.

Submissions (2):

Labcorp Genetics (formerly Invitae), Labcorp
Classification: Pathogenic for Familial cancer of breast. Last evaluated: 2024-04-17. Review status: criteria provided, single submitter. Criteria: Invitae Variant Classification Sherloc (09022015). Collection method: clinical testing. Allele origin: germline.
Comment: This sequence change creates a premature translational stop signal (p.Pro388Leufs*36) in the PALB2 gene. It is expected to result in an absent or disrupted protein product. Loss-of-function variants in PALB2 are known to be pathogenic (PMID: 17200668, 17200671, 17200672, 24136930, 25099575). This variant is not present in population databases (gnomAD no frequency). This variant has not been reported in the literature in individuals affected with PALB2-related conditions. ClinVar contains an entry for this variant (Variation ID: 224538). For these reasons, this variant has been classified as Pathogenic.

University of Washington Department of Laboratory Medicine, University of Washington
Classification: Pathogenic for Hereditary cancer-predisposing syndrome. Last evaluated: 2015-11-20. Review status: criteria provided, single submitter. Criteria: Shirts et al. (Genet Med 2016). Collection method: clinical testing. Allele origin: germline. Affected: yes. Observed: 1 variant allele.

Literature cited by the submitters: PubMed 17200668 (cited by Labcorp Genetics (formerly Invitae), Labcorp); PubMed 17200671 (cited by Labcorp Genetics (formerly Invitae), Labcorp); PubMed 17200672 (cited by Labcorp Genetics (formerly Invitae), Labcorp); PubMed 24136930 (cited by Labcorp Genetics (formerly Invitae), Labcorp); PubMed 25099575 (cited by Labcorp Genetics (formerly Invitae), Labcorp).